The following is an entry in ClinVar:

ClinVar aggregate classification (germline): Uncertain significance (1 of 4 stars; one submission).

Conditions:
Epileptic encephalopathy. Identifiers: MedGen C0543888, HP:0200134.

Allele frequency attached by ClinVar (database versions not stated): gnomAD exomes below 0.00001; TOPMed 0.00001.
gnomAD v4.1: 1 of 1,612,600 alleles (0.000062%); no homozygotes.

Submission:

Labcorp Genetics (formerly Invitae), Labcorp
Classification: Uncertain significance for Epileptic encephalopathy. Last evaluated: 2022-06-04. Review status: criteria provided, single submitter. Criteria: Invitae Variant Classification Sherloc (09022015). Collection method: clinical testing. Allele origin: germline.
Comment: This sequence change replaces alanine, which is neutral and non-polar, with valine, which is neutral and non-polar, at codon 1816 of the FASN protein (p.Ala1816Val). This variant is present in population databases (no rsID available, gnomAD 0.006%). This variant has not been reported in the literature in individuals affected with FASN-related conditions. ClinVar contains an entry for this variant (Variation ID: 935015). Algorithms developed to predict the effect of missense changes on protein structure and function (SIFT, PolyPhen-2, Align-GVGD) all suggest that this variant is likely to be tolerated. Algorithms developed to predict the effect of sequence changes on RNA splicing suggest that this variant may create or strengthen a splice site. In summary, the available evidence is currently insufficient to determine the role of this variant in disease. Therefore, it has been classified as a Variant of Uncertain Significance.

NM_004104.5(FASN):c.5447C>T (p.Ala1816Val)

Gene: FASN (fatty acid synthase; minus strand). Cytogenetic location: 17q25.3.
Variant type: single nucleotide variant.
Coding change: c.5447C>T on transcript NM_004104.5 (MANE Select); coding-DNA position 5447, C replaced by T.
Protein change: p.Ala1816Val; replaces alanine 1816 with valine.
Molecular consequence: missense variant.
Genome position (GRCh38, 1-based): chr17:82,083,320, G>A on the plus strand (C>T on the coding strand, the complement: FASN is on the minus strand). VCF-style: chr17-82083320-G-A. GRCh37 (hg19) VCF-style: chr17-80041196-G-A.
Other names: short protein forms A1816V.
Identifiers: ClinVar variation 935015 (VCV000935015.9), dbSNP rs1389792090, ClinGen allele CA401537983.